The following is an entry in ClinVar:

ClinVar aggregate classification (germline): Benign/Likely benign. Review status: criteria provided, multiple submitters, no conflicts (2 of 4 stars). 2 submissions from 2 submitters: Benign (1); Likely benign (1). Last evaluated 2025-02-14.

Conditions:
Breast-ovarian cancer, familial, susceptibility to, 3. Also called: RAD51C-Related Breast/Ovarian Cancer. Identifiers: Orphanet 145, MedGen C3150659, MONDO:0013253, OMIM 613399.
Fanconi anemia complementation group O. Also called: RAD51C-Related Fanconi Anemia. Identifiers: Orphanet 84, MedGen C3150653, MONDO:0013248, OMIM 613390.

Submissions (2):

Myriad Genetics, Inc.
Classification: Benign for Breast-ovarian cancer, familial, susceptibility to, 3. Last evaluated: 2025-02-14. Review status: criteria provided, single submitter. Criteria: Myriad Autosomal Dominant, Autosomal Recessive and X-Linked Classification Criteria (2023). Collection method: clinical testing. Allele origin: unknown.
Comment: This variant is considered benign. This variant is a silent/synonymous amino acid change and it is not expected to impact splicing.

Labcorp Genetics (formerly Invitae), Labcorp
Classification: Likely benign for Fanconi anemia complementation group O. Last evaluated: 2024-05-31. Review status: criteria provided, single submitter. Criteria: Invitae Variant Classification Sherloc (09022015). Collection method: clinical testing. Allele origin: germline.

NM_058216.3(RAD51C):c.90G>C (p.Ala30=)

Gene: RAD51C (RAD51 paralog C; plus strand). Cytogenetic location: 17q22.
Variant type: single nucleotide variant.
Coding change: c.90G>C on transcript NM_058216.3 (MANE Select); coding-DNA position 90, G replaced by C.
Protein change: p.Ala30=; no amino-acid change (alanine 30 retained).
Molecular consequence: synonymous variant. On other transcripts: non-coding transcript variant (1).
Genome position (GRCh38, 1-based): chr17:58,692,733, G>C. VCF-style: chr17-58692733-G-C. GRCh37 (hg19) VCF-style: chr17-56770094-G-C.
Other names: c.90G>C, p.Ala30= (NM_002876.4, NM_058217.1).
Identifiers: ClinVar variation 2830890 (VCV002830890.4), dbSNP rs115414895, ClinGen allele CA501074372.